The following is an entry in ClinVar:

ClinVar aggregate classification (germline): Uncertain significance. Review status: criteria provided, multiple submitters, no conflicts (2 of 4 stars). 2 submissions from 2 submitters: Uncertain significance (2). Last evaluated 2025-10-02.

Submissions (2):

Labcorp Genetics (formerly Invitae), Labcorp
Classification: Uncertain significance. Last evaluated: 2025-10-02. Review status: criteria provided, single submitter. Criteria: Invitae Variant Classification Sherloc (09022015). Collection method: clinical testing. Allele origin: germline.
Comment: This variant, c.5085_5102dup, results in the insertion of 6 amino acid(s) of the CASZ1 protein (p.Glu1695_Asp1700dup), but otherwise preserves the integrity of the reading frame. The frequency data for this variant in the population databases is considered unreliable, as metrics indicate poor data quality at this position in the gnomAD database. This variant has not been reported in the literature in individuals affected with CASZ1-related conditions. ClinVar contains an entry for this variant (Variation ID: 2724541). In summary, the available evidence is currently insufficient to determine the role of this variant in disease. Therefore, it has been classified as a Variant of Uncertain Significance.

GeneDx
Classification: Uncertain significance. Last evaluated: 2024-12-17. Review status: criteria provided, single submitter. Criteria: GeneDx Variant Classification Process June 2021. Collection method: clinical testing. Allele origin: germline. Affected: yes.
Comment: In-frame duplication of 6 amino acid(s) in a non-repeat region; Has not been previously published as pathogenic or benign to our knowledge

NM_001079843.3(CASZ1):c.5085_5102dup (p.Asp1700_Asp1701insGluAspAspAspGluAsp)

Gene: CASZ1 (castor zinc finger 1; minus strand). Cytogenetic location: 1p36.22.
Variant type: Duplication.
Coding change: c.5085_5102dup on transcript NM_001079843.3 (MANE Select); coding-DNA positions 5085 to 5102, 18 bases duplicated (GGACGACGACGAGGACGA).
Protein change: p.Asp1700_Asp1701insGluAspAspAspGluAsp.
Molecular consequence: inframe insertion.
Genome position (GRCh38, 1-based): chr1:10,639,120-10,639,137, TCGTCCTCGTCGTCGTCC duplicated on the plus strand (GGACGACGACGAGGACGA on the coding strand, the reverse complement: CASZ1 is on the minus strand); duplicating any 18 consecutive bases within chr1:10,639,120-10,639,151 gives the same sequence; the c. name uses the placement nearest the transcript's 3' end. VCF-style (leftmost placement, unchanged base first): chr1-10639119-G-GTCGTCCTCGTCGTCGTCC. GRCh37 (hg19) VCF-style: chr1-10699176-G-GTCGTCCTCGTCGTCGTCC.
Other names: c.5085_5102dup (NM_001079843.2).
Identifiers: ClinVar variation 2724541 (VCV002724541.4), dbSNP rs1553123336, ClinGen allele CA584084.